The following is an entry in ClinVar:

NM_004963.4(GUCY2C):c.2152C>G (p.Leu718Val)

Gene: GUCY2C (guanylate cyclase 2C; minus strand). Cytogenetic location: 12p12.3.
Variant type: single nucleotide variant.
Coding change: c.2152C>G on transcript NM_004963.4 (MANE Select); coding-DNA position 2152, C replaced by G.
Protein change: p.Leu718Val; replaces leucine 718 with valine.
Molecular consequence: missense variant.
Genome position (GRCh38, 1-based): chr12:14,639,867, G>C on the plus strand (C>G on the coding strand, the complement: GUCY2C is on the minus strand). VCF-style: chr12-14639867-G-C. GRCh37 (hg19) VCF-style: chr12-14792801-G-C.
Other names: short protein forms L718V.
Identifiers: ClinVar variation 4710913 (VCV004710913.1).

ClinVar aggregate classification (germline): Uncertain significance (1 of 4 stars; one submission).

gnomAD v4.1: 1 of 1,573,822 alleles (0.000064%); highest among the groups gnomAD compares: Non-Finnish European, 0.000087%; no homozygotes.

Submission:

Labcorp Genetics (formerly Invitae), Labcorp
Classification: Uncertain significance. Last evaluated: 2025-03-23. Review status: criteria provided, single submitter. Criteria: Invitae Variant Classification Sherloc (09022015). Collection method: clinical testing. Allele origin: germline.
Comment: This sequence change replaces leucine, which is neutral and non-polar, with valine, which is neutral and non-polar, at codon 718 of the GUCY2C protein (p.Leu718Val). This variant is not present in population databases (gnomAD no frequency). This variant has not been reported in the literature in individuals affected with GUCY2C-related conditions. Invitae Evidence Modeling of protein sequence and biophysical properties (such as structural, functional, and spatial information, amino acid conservation, physicochemical variation, residue mobility, and thermodynamic stability) indicates that this missense variant is not expected to disrupt GUCY2C protein function with a negative predictive value of 80%. In summary, the available evidence is currently insufficient to determine the role of this variant in disease. Therefore, it has been classified as a Variant of Uncertain Significance.